The following is an entry in ClinVar:

ClinVar aggregate classification (germline): Uncertain significance (1 of 4 stars; one submission).

Conditions:
Epileptic encephalopathy. Identifiers: MedGen C0543888, HP:0200134.

Submission:

Labcorp Genetics (formerly Invitae), Labcorp
Classification: Uncertain significance for Epileptic encephalopathy. Last evaluated: 2020-06-25. Review status: criteria provided, single submitter. Criteria: Invitae Variant Classification Sherloc (09022015). Collection method: clinical testing. Allele origin: germline.
Comment: This sequence change replaces serine with tyrosine at codon 2403 of the RYR3 protein (p.Ser2403Tyr). The serine residue is highly conserved and there is a large physicochemical difference between serine and tyrosine. This variant is not present in population databases (ExAC no frequency). In summary, the available evidence is currently insufficient to determine the role of this variant in disease. Therefore, it has been classified as a Variant of Uncertain Significance. Algorithms developed to predict the effect of missense changes on protein structure and function are either unavailable or do not agree on the potential impact of this missense change (SIFT: "Deleterious"; PolyPhen-2: "Benign"; Align-GVGD: "Class C0"). This variant has not been reported in the literature in individuals with RYR3-related conditions.

NM_001036.6(RYR3):c.7208C>A (p.Ser2403Tyr)

Gene: RYR3 (ryanodine receptor 3; plus strand). Cytogenetic location: 15q14.
Variant type: single nucleotide variant.
Coding change: c.7208C>A on transcript NM_001036.6 (MANE Select); coding-DNA position 7208, C replaced by A.
Protein change: p.Ser2403Tyr; replaces serine 2403 with tyrosine.
Molecular consequence: missense variant.
Genome position (GRCh38, 1-based): chr15:33,731,478, C>A. VCF-style: chr15-33731478-C-A. GRCh37 (hg19) VCF-style: chr15-34023679-C-A.
Other names: c.7208C>A, p.Ser2403Tyr (NM_001243996.4); short protein forms S2403Y.
Identifiers: ClinVar variation 1056537 (VCV001056537.9), dbSNP rs745908297, ClinGen allele CA391578966.